The following is an entry in ClinVar:

ClinVar aggregate classification (germline): Uncertain significance. Review status: criteria provided, multiple submitters, no conflicts (2 of 4 stars). 3 submissions from 3 submitters: Uncertain significance (3). Last evaluated 2025-07-07.

Conditions:
Inborn genetic diseases. Identifiers: MedGen C0950123, MeSH D030342.
Hereditary spastic paraplegia 39 (SPG39). Also called: Spastic Paraplegia Type 39 (SPG39); SPASTIC PARAPLEGIA 39, AUTOSOMAL RECESSIVE. Identifiers: Orphanet 139480, MedGen C2677586, MONDO:0012787, OMIM 612020.

Allele frequency attached by ClinVar (database versions not stated): ExAC 0.00001; gnomAD 0.00001; TOPMed 0.00001.

Submissions (3):

Labcorp Genetics (formerly Invitae), Labcorp
Classification: Uncertain significance for Hereditary spastic paraplegia 39. Last evaluated: 2025-07-07. Review status: criteria provided, single submitter. Criteria: Invitae Variant Classification Sherloc (09022015). Collection method: clinical testing. Allele origin: germline.
Comment: This sequence change replaces proline, which is neutral and non-polar, with leucine, which is neutral and non-polar, at codon 199 of the PNPLA6 protein (p.Pro199Leu). The frequency data for this variant in the population databases is considered unreliable, as metrics indicate poor data quality at this position in the gnomAD database. This variant has not been reported in the literature in individuals affected with PNPLA6-related conditions. ClinVar contains an entry for this variant (Variation ID: 956407). An algorithm developed to predict the effect of missense changes on protein structure and function (PolyPhen-2) suggests that this variant is likely to be tolerated. In summary, the available evidence is currently insufficient to determine the role of this variant in disease. Therefore, it has been classified as a Variant of Uncertain Significance.

Ambry Genetics
Classification: Uncertain significance for Inborn genetic diseases. Last evaluated: 2025-02-28. Review status: criteria provided, single submitter. Criteria: Ambry Variant Classification Scheme 2023. Collection method: clinical testing. Allele origin: germline.

Mayo Clinic Laboratories, Mayo Clinic
Classification: Uncertain significance. Last evaluated: 2019-05-19. Review status: criteria provided, single submitter. Criteria: ACMG Guidelines, 2015. Collection method: clinical testing. Allele origin: germline. Observed: 1 variant allele.

NM_001166114.2(PNPLA6):c.713C>T (p.Pro238Leu)

Gene: PNPLA6 (patatin like domain 6, lysophospholipase; plus strand). Cytogenetic location: 19p13.2.
Variant type: single nucleotide variant.
Coding change: c.713C>T on transcript NM_001166114.2 (MANE Select); coding-DNA position 713, C replaced by T.
Protein change: p.Pro238Leu; replaces proline 238 with leucine.
Molecular consequence: missense variant.
Genome position (GRCh38, 1-based): chr19:7,540,307, C>T. VCF-style: chr19-7540307-C-T. GRCh37 (hg19) VCF-style: chr19-7605193-C-T.
Other names: c.740C>T, p.Pro247Leu (NM_001166111.2); c.596C>T, p.Pro199Leu (NM_001166112.2, NM_001166113.1, NM_006702.5); short protein forms P199L, P247L, P238L.
Identifiers: ClinVar variation 956407 (VCV000956407.12), dbSNP rs763499274, ClinGen allele CA9139533.
Genomic context (GRCh38, chr19:7,540,307, plus strand): 5'-AGCCAGATGCCAGCATCTACGTGGTGCAGGACGGGCTGCTGGAGCTCTGTCTGCCAGGGC[C>T]TGTGAGTGGGCCTCCCCAGGGGCTGCTGCAGGAGGATGGGTGGTGGGGATGGGCAGCAGG-3'
Protein context (NP_001159586.1, residues 228-248): DGLLELCLPG[Pro238Leu]DGKECVVKEV